The following is an entry in ClinVar:

ClinVar aggregate classification (germline): Likely pathogenic (1 of 4 stars; one submission).

Conditions:
Mitochondrial complex II deficiency, nuclear type 1. Also called: SUCCINATE CoQ REDUCTASE DEFICIENCY. Identifiers: Orphanet 3208, MedGen C5700310, MONDO:0100294, OMIM 252011.
Pheochromocytoma/paraganglioma syndrome 5. Also called: Paragangliomas 5; SDHA-Related Hereditary Paraganglioma-Pheochromocytoma Syndrome. Identifiers: Orphanet 29072, MedGen C3279992, MONDO:0013602, OMIM 614165.

gnomAD v4.1: 1 of 1,614,184 alleles (0.000062%); highest among the groups gnomAD compares: African/African-American, 0.0013%; no homozygotes.

Submission:

Labcorp Genetics (formerly Invitae), Labcorp
Classification: Likely pathogenic for Pheochromocytoma/paraganglioma syndrome 5; Mitochondrial complex II deficiency, nuclear type 1. Last evaluated: 2024-12-29. Review status: criteria provided, single submitter. Criteria: Invitae Variant Classification Sherloc (09022015). Collection method: clinical testing. Allele origin: germline.
Comment: This sequence change affects a donor splice site in intron 5 of the SDHA gene. It is expected to disrupt RNA splicing. Variants that disrupt the donor or acceptor splice site typically lead to a loss of protein function (PMID: 16199547), and loss-of-function variants in SDHA are known to be pathogenic (PMID: 22974104, 24781757). This variant is not present in population databases (gnomAD no frequency). This variant has not been reported in the literature in individuals affected with SDHA-related conditions. Studies have shown that disruption of this splice site is associated with inconclusive levels of altered splicing (internal data). In summary, the currently available evidence indicates that the variant is pathogenic, but additional data are needed to prove that conclusively. Therefore, this variant has been classified as Likely Pathogenic.

Literature cited by the submitters: PubMed 16199547; PubMed 22974104; PubMed 24781757.

NM_004168.4(SDHA):c.621+1G>T

Gene: SDHA (succinate dehydrogenase complex flavoprotein subunit A; plus strand). Cytogenetic location: 5p15.33.
Variant type: single nucleotide variant.
Coding change: c.621+1G>T on transcript NM_004168.4 (MANE Select); the canonical splice donor site of the intron after coding-DNA position 621, G replaced by T.
Molecular consequence: splice donor variant.
Genome position (GRCh38, 1-based): chr5:226,048, G>T. VCF-style: chr5-226048-G-T. GRCh37 (hg19) VCF-style: chr5-226163-G-T.
Other names: c.621+1G>T (NM_001330758.2); c.477+1G>T (NM_001294332.2).
Identifiers: ClinVar variation 3760196 (VCV003760196.2).